The following is an entry in ClinVar:

ClinVar aggregate classification (germline): Likely pathogenic (1 of 4 stars; one submission).

Submission:

Dasa
Classification: Likely pathogenic. Last evaluated: 2025-07-04. Review status: criteria provided, single submitter. Criteria: DASA Assertion Criteria. Collection method: clinical testing. Allele origin: germline.
Comment: NM_174878.3(CLRN1):c.230G>T (p.Gly77Val) is a missense variant that results in the substitution of glycine with valine. This variant has been observed in affected individuals with CLRN1-related disorders. Also, this variant is absent from population databases. Computational evidence supports a deleterious effect. Based on the currently available evidence, this variant is classified as likely pathogenic.

NM_174878.3(CLRN1):c.230G>T (p.Gly77Val)

Gene: CLRN1 (clarin 1; minus strand). Cytogenetic location: 3q25.1.
Variant type: single nucleotide variant.
Coding change: c.230G>T on transcript NM_174878.3 (MANE Select); coding-DNA position 230, G replaced by T.
Protein change: p.Gly77Val; replaces glycine 77 with valine.
Molecular consequence: missense variant. On other transcripts: non-coding transcript variant (1).
Genome position (GRCh38, 1-based): chr3:150,972,479, C>A on the plus strand (G>T on the coding strand, the complement: CLRN1 is on the minus strand). VCF-style: chr3-150972479-C-A. GRCh37 (hg19) VCF-style: chr3-150690266-C-A.
Other names: c.230G>T, p.Gly77Val (NM_001195794.1, NM_001256819.2); short protein forms G77V.
Identifiers: ClinVar variation 4885539 (VCV004885539.2).